The following is an entry in ClinVar:

ClinVar aggregate classification (germline): Uncertain significance (1 of 4 stars; one submission).

Conditions:
Autosomal dominant polycystic kidney disease. Identifiers: Orphanet 730, MedGen C0085413, MONDO:0004691.

Allele frequency attached by ClinVar (database versions not stated): TOPMed below 0.00001.
gnomAD v4.1: 10 of 1,572,450 alleles (0.00064%); highest among the groups gnomAD compares: Non-Finnish European, 0.00079%; no homozygotes.

Submission:

Labcorp Genetics (formerly Invitae), Labcorp
Classification: Uncertain significance for Autosomal dominant polycystic kidney disease. Last evaluated: 2022-02-22. Review status: criteria provided, single submitter. Criteria: Invitae Variant Classification Sherloc (09022015). Collection method: clinical testing. Allele origin: germline.
Comment: This sequence change replaces threonine, which is neutral and polar, with arginine, which is basic and polar, at codon 203 of the PKD2 protein (p.Thr203Arg). This variant is present in population databases (no rsID available, gnomAD 0.0009%). This variant has not been reported in the literature in individuals affected with PKD2-related conditions. Algorithms developed to predict the effect of missense changes on protein structure and function are either unavailable or do not agree on the potential impact of this missense change (SIFT: "Deleterious"; PolyPhen-2: "Probably Damaging"; Align-GVGD: "Class C0"). In summary, the available evidence is currently insufficient to determine the role of this variant in disease. Therefore, it has been classified as a Variant of Uncertain Significance.

NM_000297.4(PKD2):c.608C>G (p.Thr203Arg)

Gene: PKD2 (polycystin 2, transient receptor potential cation channel; plus strand). Cytogenetic location: 4q22.1.
Variant type: single nucleotide variant.
Coding change: c.608C>G on transcript NM_000297.4 (MANE Select); coding-DNA position 608, C replaced by G.
Protein change: p.Thr203Arg; replaces threonine 203 with arginine.
Molecular consequence: missense variant. On other transcripts: non-coding transcript variant (1).
Genome position (GRCh38, 1-based): chr4:88,019,470, C>G. VCF-style: chr4-88019470-C-G. GRCh37 (hg19) VCF-style: chr4-88940622-C-G.
Other names: short protein forms T203R.
Identifiers: ClinVar variation 2193658 (VCV002193658.4), dbSNP rs770950317, ClinGen allele CA357628209.
Genomic context (GRCh38, chr4:88,019,470, plus strand): 5'-TTCTTAAATAAAATGATATCTTTTCTTTTCTTCATTATTATTTTAAAGGTCTCTGGGGAA[C>G]AAGACTCATGGAGGAAAGCAGCACTAACCGAGAGAAATACCTTAAAAGTGTTTTACGGGA-3'
Protein context (NP_000288.1, residues 193-213): LVRGLRGLWG[Thr203Arg]RLMEESSTNR